The following is an entry in ClinVar:

ClinVar aggregate classification (germline): Conflicting classifications of pathogenicity. Review status: criteria provided, conflicting classifications (1 of 4 stars). 2 submissions from 1 submitter: Uncertain significance (1); Likely benign (1). Last evaluated 2018-01-12.

Conditions:
Retinitis pigmentosa (RP). Identifiers: Orphanet 791, MedGen C0035334, MeSH D012174, MONDO:0019200, OMIM 268000. Inheritance: Autosomal dominant, autosomal recessive and X linked inheritance.
Congenital stationary night blindness autosomal dominant 1. Also called: NIGHT BLINDNESS, CONGENITAL STATIONARY, RHODOPSIN-RELATED. Identifiers: Orphanet 215, MedGen C1864869, MONDO:0012498, OMIM 610445.

Allele frequency attached by ClinVar (database versions not stated): ExAC 0.00002.

Submissions (2):

Illumina Laboratory Services, Illumina
Classification: Uncertain significance for Retinitis pigmentosa. Last evaluated: 2018-01-12. Review status: criteria provided, single submitter. Criteria: ICSL Variant Classification Criteria 13 December 2019. Collection method: clinical testing. Allele origin: germline.

Illumina Laboratory Services, Illumina
Classification: Likely benign for Congenital stationary night blindness autosomal dominant 1. Last evaluated: 2018-01-12. Review status: criteria provided, single submitter. Criteria: ICSL Variant Classification Criteria 13 December 2019. Collection method: clinical testing. Allele origin: germline.
Comment: This variant was observed in the ICSL laboratory as part of a predisposition screen in an ostensibly healthy population. It had not been previously curated by ICSL or reported in the Human Gene Mutation Database (HGMD: prior to June 1st, 2018), and was therefore a candidate for classification through an automated scoring system. Utilizing variant allele frequency, disease prevalence and penetrance estimates, and inheritance mode, an automated score was calculated to assess if this variant is too frequent to cause the disease. Based on the score and internal cut-off values, a variant classified as likely benign is not then subjected to further curation. The score for this variant resulted in a classification of likely benign for this disease.

NM_000539.3(RHO):c.948C>T (p.Cys316=)

Gene: RHO (rhodopsin; plus strand). Cytogenetic location: 3q22.1.
Variant type: single nucleotide variant.
Coding change: c.948C>T on transcript NM_000539.3 (MANE Select); coding-DNA position 948, C replaced by T.
Protein change: p.Cys316=; no amino-acid change (cysteine 316 retained).
Molecular consequence: synonymous variant.
Genome position (GRCh38, 1-based): chr3:129,533,619, C>T. VCF-style: chr3-129533619-C-T. GRCh37 (hg19) VCF-style: chr3-129252462-C-T.
Identifiers: ClinVar variation 902170 (VCV000902170.4), dbSNP rs754809715, ClinGen allele CA2607343.